The following is an entry in ClinVar:

ClinVar aggregate classification (germline): Uncertain significance. Review status: criteria provided, multiple submitters, no conflicts (2 of 4 stars). 3 submissions from 3 submitters: Uncertain significance (3). Last evaluated 2025-04-10.

Conditions:
Hereditary cancer-predisposing syndrome. Also called: Neoplastic Syndromes, Hereditary; Hereditary neoplastic syndrome; Tumor predisposition; Hereditary Cancer Syndrome. Identifiers: Orphanet 140162, MedGen C0027672, MeSH D009386, MONDO:0015356.
Tuberous sclerosis 2 (TSC2). Identifiers: Orphanet 805, MedGen C1860707, MONDO:0013199, OMIM 613254.

gnomAD v4.1: 1 of 1,612,754 alleles (0.000062%); highest among the groups gnomAD compares: African/African-American, 0.0013%; no homozygotes.

Submissions (3):

Ambry Genetics
Classification: Uncertain significance for Hereditary cancer-predisposing syndrome. Last evaluated: 2025-04-10. Review status: criteria provided, single submitter. Criteria: Ambry Variant Classification Scheme 2023. Collection method: clinical testing. Allele origin: germline.
Comment: The p.P1538A variant (also known as c.4612C>G), located in coding exon 35 of the TSC2 gene, results from a C to G substitution at nucleotide position 4612. The proline at codon 1538 is replaced by alanine, an amino acid with highly similar properties. This amino acid position is highly conserved in available vertebrate species. In addition, this alteration is predicted to be deleterious by in silico analysis. Since supporting evidence is limited at this time, the clinical significance of this alteration remains unclear.

GeneDx
Classification: Uncertain significance. Last evaluated: 2023-10-19. Review status: criteria provided, single submitter. Criteria: GeneDx Variant Classification Process June 2021. Collection method: clinical testing. Allele origin: germline. Affected: yes.
Comment: Not observed at significant frequency in large population cohorts (gnomAD); In silico analysis supports that this missense variant has a deleterious effect on protein structure/function; Has not been previously published as pathogenic or benign to our knowledge; This variant is associated with the following publications: (PMID: 18466115)

Labcorp Genetics (formerly Invitae), Labcorp
Classification: Uncertain significance for Tuberous sclerosis 2. Last evaluated: 2019-01-08. Review status: criteria provided, single submitter. Criteria: Invitae Variant Classification Sherloc (09022015). Collection method: clinical testing. Allele origin: germline.
Comment: This sequence change replaces proline with alanine at codon 1538 of the TSC2 protein (p.Pro1538Ala). The proline residue is highly conserved and there is a small physicochemical difference between proline and alanine. This variant is not present in population databases (ExAC no frequency). This variant has not been reported in the literature in individuals with TSC2-related conditions. Algorithms developed to predict the effect of missense changes on protein structure and function are either unavailable or do not agree on the potential impact of this missense change (SIFT: "Deleterious"; PolyPhen-2: "Probably Damaging"; Align-GVGD: "Class C0"). In summary, the available evidence is currently insufficient to determine the role of this variant in disease. Therefore, it has been classified as a Variant of Uncertain Significance.

NM_000548.5(TSC2):c.4612C>G (p.Pro1538Ala)

Gene: TSC2 (TSC complex subunit 2; plus strand). Cytogenetic location: 16p13.3.
Variant type: single nucleotide variant.
Coding change: c.4612C>G on transcript NM_000548.5 (MANE Select); coding-DNA position 4612, C replaced by G.
Protein change: p.Pro1538Ala; replaces proline 1538 with alanine.
Molecular consequence: missense variant.
Genome position (GRCh38, 1-based): chr16:2,085,272, C>G. VCF-style: chr16-2085272-C-G. GRCh37 (hg19) VCF-style: chr16-2135273-C-G.
Other names: c.4411C>G, p.Pro1471Ala (NM_001077183.3); c.4543C>G, p.Pro1515Ala (NM_001114382.3); c.4303C>G, p.Pro1435Ala (NM_001318827.2); c.4267C>G, p.Pro1423Ala (NM_001318829.2); c.3880C>G, p.Pro1294Ala (NM_001318831.2); c.4444C>G, p.Pro1482Ala (NM_001318832.2); c.4414C>G, p.Pro1472Ala (NM_001363528.2); c.4480C>G, p.Pro1494Ala (NM_001370404.1); and 1 more; short protein forms P1294A, P1435A, P1494A, P1471A, P1482A, P1515A, P1423A, P1472A.
Identifiers: ClinVar variation 843912 (VCV000843912.14), dbSNP rs1060500930, ClinGen allele CA394304707.
Genomic context (GRCh38, chr16:2,085,272, plus strand): 5'-GGGCTCTGTGTGCCACAGTCACAGTCCTTTGAGCGGTCGGTGCAGCTCCTCGACCAGATC[C>G]CATCATACGACACCCACAAGATCGCCGTCCTGTATGTTGGAGAAGGCCAGGTGAGGCTGC-3'
Protein context (NP_000539.2, residues 1528-1548): ERSVQLLDQI[Pro1538Ala]SYDTHKIAVL